The following is an entry in ClinVar:

ClinVar aggregate classification (germline): Uncertain significance. Review status: criteria provided, multiple submitters, no conflicts (2 of 4 stars). 2 submissions from 2 submitters: Uncertain significance (2). Last evaluated 2025-05-20.

Conditions:
Hereditary cancer-predisposing syndrome. Also called: Neoplastic Syndromes, Hereditary; Tumor predisposition; Hereditary Cancer Syndrome; Hereditary neoplastic syndrome. Identifiers: Orphanet 140162, MedGen C0027672, MeSH D009386, MONDO:0015356.
Familial cancer of breast. Also called: BREAST CANCER, FAMILIAL; Hereditary breast cancer; hereditary breast carcinoma. Identifiers: Orphanet 227535, MedGen C0346153, MONDO:0016419, OMIM 114480. Disease mechanism: loss of function.

gnomAD v4.1: 2 of 1,614,194 alleles (0.00012%); highest among the groups gnomAD compares: Non-Finnish European, 0.00017%; no homozygotes.

Submissions (2):

Labcorp Genetics (formerly Invitae), Labcorp
Classification: Uncertain significance for Familial cancer of breast. Last evaluated: 2025-05-20. Review status: criteria provided, single submitter. Criteria: Invitae Variant Classification Sherloc (09022015). Collection method: clinical testing. Allele origin: germline.
Comment: This sequence change replaces glutamine, which is neutral and polar, with arginine, which is basic and polar, at codon 987 of the PALB2 protein (p.Gln987Arg). This variant is present in population databases (rs762437762, gnomAD 0.002%). This variant has not been reported in the literature in individuals affected with PALB2-related conditions. ClinVar contains an entry for this variant (Variation ID: 3413449). Invitae Evidence Modeling of protein sequence and biophysical properties (such as structural, functional, and spatial information, amino acid conservation, physicochemical variation, residue mobility, and thermodynamic stability) has been performed for this missense variant. However, the output from this modeling did not meet the statistical confidence thresholds required to predict the impact of this variant on PALB2 protein function. In summary, the available evidence is currently insufficient to determine the role of this variant in disease. Therefore, it has been classified as a Variant of Uncertain Significance.

Ambry Genetics
Classification: Uncertain significance for Hereditary cancer-predisposing syndrome. Last evaluated: 2024-08-06. Review status: criteria provided, single submitter. Criteria: Ambry Variant Classification Scheme 2023. Collection method: clinical testing. Allele origin: germline.
Comment: The p.Q987R variant (also known as c.2960A>G), located in coding exon 9 of the PALB2 gene, results from an A to G substitution at nucleotide position 2960. The glutamine at codon 987 is replaced by arginine, an amino acid with highly similar properties. This amino acid position is conserved. In addition, this alteration is predicted to be tolerated by in silico analysis. Based on the available evidence, the clinical significance of this variant remains unclear.

NM_024675.4(PALB2):c.2960A>G (p.Gln987Arg)

Gene: PALB2 (partner and localizer of BRCA2; minus strand). Cytogenetic location: 16p12.2.
Variant type: single nucleotide variant.
Coding change: c.2960A>G on transcript NM_024675.4 (MANE Select); coding-DNA position 2960, A replaced by G.
Protein change: p.Gln987Arg; replaces glutamine 987 with arginine.
Molecular consequence: missense variant. On other transcripts: intron variant (1).
Genome position (GRCh38, 1-based): chr16:23,623,005, T>C on the plus strand (A>G on the coding strand, the complement: PALB2 is on the minus strand). VCF-style: chr16-23623005-T-C. GRCh37 (hg19) VCF-style: chr16-23634326-T-C.
Other names: c.2900A>G, p.Gln967Arg (NM_001407296.1); c.2888A>G, p.Gln963Arg (NM_001407297.1); c.2798A>G, p.Gln933Arg (NM_001407298.1, NM_001407302.1); c.2960A>G, p.Gln987Arg (NM_001407299.1, NM_001407301.1); c.2075A>G, p.Gln692Arg (NM_001407304.1, NM_001407305.1, NM_001407306.1 and 4 more transcripts); c.1913A>G, p.Gln638Arg (NM_001407307.1); c.1172A>G, p.Gln391Arg (NM_001407312.1, NM_001407313.1); c.494A>G, p.Gln165Arg (NM_001407314.1); and 1 more; short protein forms Q391R, Q692R, Q933R, Q963R, Q165R, Q967R, Q987R, Q638R.
Identifiers: ClinVar variation 3413449 (VCV003413449.3).